The following is an entry in ClinVar:

ClinVar aggregate classification (germline): Uncertain significance (1 of 4 stars; one submission).

Submission:

GeneDx
Classification: Uncertain significance. Last evaluated: 2025-03-14. Review status: criteria provided, single submitter. Criteria: GeneDx Variant Classification Process June 2021. Collection method: clinical testing. Allele origin: germline. Affected: yes.
Comment: Not observed at significant frequency in large population cohorts (gnomAD); In silico analysis indicates that this missense variant does not alter protein structure/function; Has not been previously published as pathogenic or benign to our knowledge

NM_014232.3(VAMP2):c.157G>A (p.Val53Ile)

Gene: VAMP2 (vesicle associated membrane protein 2; minus strand). Cytogenetic location: 17p13.1.
Variant type: single nucleotide variant.
Coding change: c.157G>A on transcript NM_014232.3 (MANE Select); coding-DNA position 157, G replaced by A.
Protein change: p.Val53Ile; replaces valine 53 with isoleucine.
Molecular consequence: missense variant.
Genome position (GRCh38, 1-based): chr17:8,161,733, C>T on the plus strand (G>A on the coding strand, the complement: VAMP2 is on the minus strand). VCF-style: chr17-8161733-C-T. GRCh37 (hg19) VCF-style: chr17-8065051-C-T.
Other names: c.163G>A, p.Val55Ile (NM_001330125.1); short protein forms V53I, V55I.
Identifiers: ClinVar variation 4083258 (VCV004083258.1).